The following is an entry in ClinVar:

ClinVar aggregate classification (germline): Uncertain significance. Review status: criteria provided, multiple submitters, no conflicts (2 of 4 stars). 2 submissions from 2 submitters: Uncertain significance (2). Last evaluated 2025-11-18.

Allele frequency attached by ClinVar (database versions not stated): ExAC 0.00001; gnomAD exomes 0.00001 and 0.00002; TOPMed 0.00002; gnomAD 0.00003.
gnomAD v4.1: 16 of 1,608,106 alleles (0.00099%); highest among the groups gnomAD compares: Admixed American, 0.015%; no homozygotes.

Submissions (2):

Labcorp Genetics (formerly Invitae), Labcorp
Classification: Uncertain significance. Last evaluated: 2025-11-18. Review status: criteria provided, single submitter. Criteria: Invitae Variant Classification Sherloc (09022015). Collection method: clinical testing. Allele origin: germline.
Comment: This sequence change replaces glutamic acid, which is acidic and polar, with lysine, which is basic and polar, at codon 576 of the ZNF408 protein (p.Glu576Lys). This variant is present in population databases (rs758632792, gnomAD 0.006%). This variant has not been reported in the literature in individuals affected with ZNF408-related conditions. ClinVar contains an entry for this variant (Variation ID: 1055876). An algorithm developed to predict the effect of missense changes on protein structure and function outputs the following: PolyPhen-2: "Possibly Damaging". The lysine amino acid residue is found in multiple mammalian species, which suggests that this missense change does not adversely affect protein function. In summary, the available evidence is currently insufficient to determine the role of this variant in disease. Therefore, it has been classified as a Variant of Uncertain Significance.

Blueprint Genetics
Classification: Uncertain significance. Last evaluated: 2022-04-02. Review status: criteria provided, single submitter. Criteria: ACMG Guidelines, 2015. Collection method: clinical testing. Allele origin: germline.

NM_024741.3(ZNF408):c.1726G>A (p.Glu576Lys)

Gene: ZNF408 (zinc finger protein 408; plus strand). Cytogenetic location: 11p11.2.
Variant type: single nucleotide variant.
Coding change: c.1726G>A on transcript NM_024741.3 (MANE Select); coding-DNA position 1726, G replaced by A.
Protein change: p.Glu576Lys; replaces glutamic acid 576 with lysine.
Molecular consequence: missense variant.
Genome position (GRCh38, 1-based): chr11:46,705,426, G>A. VCF-style: chr11-46705426-G-A. GRCh37 (hg19) VCF-style: chr11-46726976-G-A.
Other names: c.1702G>A, p.Glu568Lys (NM_001184751.2); short protein forms E568K, E576K.
Identifiers: ClinVar variation 1055876 (VCV001055876.10), dbSNP rs758632792, ClinGen allele CA5966634.